The following is an entry in ClinVar:

ClinVar aggregate classification (germline): Uncertain significance. Review status: criteria provided, multiple submitters, no conflicts (2 of 4 stars). 2 submissions from 2 submitters: Uncertain significance (2). Last evaluated 2022-10-25.

Conditions:
Cenani-Lenz syndactyly syndrome. Also called: SYNDACTYLY, TYPE VII; CENANI SYNDACTYLISM. Identifiers: Orphanet 3258, MedGen C1859309, MONDO:0008931, OMIM 212780.
Congenital myasthenic syndrome 17. Identifiers: Orphanet 590, MedGen C4225377, MONDO:0014578, OMIM 616304.
Sclerosteosis 2 (SOST2). Identifiers: Orphanet 3152, MedGen C3280402, MONDO:0013679, OMIM 614305.

Allele frequency attached by ClinVar (database versions not stated): gnomAD exomes 0.00001.
gnomAD v4.1: 7 of 1,613,844 alleles (0.00043%); highest among the groups gnomAD compares: Non-Finnish European, 0.00059%; no homozygotes.

Submissions (2):

Labcorp Genetics (formerly Invitae), Labcorp
Classification: Uncertain significance for Cenani-Lenz syndactyly syndrome; Sclerosteosis 2; Congenital myasthenic syndrome 17. Last evaluated: 2022-10-25. Review status: criteria provided, single submitter. Criteria: Invitae Variant Classification Sherloc (09022015). Collection method: clinical testing. Allele origin: germline.
Comment: In summary, the available evidence is currently insufficient to determine the role of this variant in disease. Therefore, it has been classified as a Variant of Uncertain Significance. This sequence change replaces isoleucine, which is neutral and non-polar, with threonine, which is neutral and polar, at codon 204 of the LRP4 protein (p.Ile204Thr). This variant is not present in population databases (gnomAD no frequency). This variant has not been reported in the literature in individuals affected with LRP4-related conditions. ClinVar contains an entry for this variant (Variation ID: 1492000). Algorithms developed to predict the effect of missense changes on protein structure and function (SIFT, PolyPhen-2, Align-GVGD) all suggest that this variant is likely to be disruptive.

Fulgent Genetics
Classification: Uncertain significance for Cenani-Lenz syndactyly syndrome; Sclerosteosis 2; Congenital myasthenic syndrome 17. Last evaluated: 2022-03-03. Review status: criteria provided, single submitter. Criteria: ACMG Guidelines, 2015. Collection method: clinical testing. Allele origin: unknown.

NM_002334.4(LRP4):c.611T>C (p.Ile204Thr)

Gene: LRP4 (LDL receptor related protein 4; minus strand). Cytogenetic location: 11p11.2.
Variant type: single nucleotide variant.
Coding change: c.611T>C on transcript NM_002334.4 (MANE Select); coding-DNA position 611, T replaced by C.
Protein change: p.Ile204Thr; replaces isoleucine 204 with threonine.
Molecular consequence: missense variant.
Genome position (GRCh38, 1-based): chr11:46,898,969, A>G on the plus strand (T>C on the coding strand, the complement: LRP4 is on the minus strand). VCF-style: chr11-46898969-A-G. GRCh37 (hg19) VCF-style: chr11-46920520-A-G.
Other names: short protein forms I204T.
Identifiers: ClinVar variation 1492000 (VCV001492000.7), dbSNP rs2134862174, ClinGen allele CA380289281.
Genomic context (GRCh38, chr11:46,898,969, plus strand): 5'-TCAGACTCGTCTGACCAGTCTCCACAGTCATCGTCGCCATCGCAGTGGTAGATGTCGAGG[A>G]TGCAGCGTCCATAGGCACACTGGAACTCCTCCAGGTTGCAGGGGGGCGCTGGCACTGCTG-3'
Protein context (NP_002325.2, residues 194-214): EEFQCAYGRC[Ile204Thr]LDIYHCDGDD